The following is an entry in ClinVar:

NM_000051.4(ATM):c.5938G>A (p.Gly1980Arg)

Genes: ATM (ATM serine/threonine kinase; plus strand), C11orf65 (chromosome 11 open reading frame 65; minus strand). Cytogenetic location: 11q22.3.
Variant type: single nucleotide variant.
Coding change: c.5938G>A on transcript NM_000051.4 (MANE Select); coding-DNA position 5938, G replaced by A.
Protein change: p.Gly1980Arg; replaces glycine 1980 with arginine.
Molecular consequence: missense variant. On other transcripts: intron variant (2).
Genome position (GRCh38, 1-based): chr11:108,312,430, G>A. VCF-style: chr11-108312430-G-A. GRCh37 (hg19) VCF-style: chr11-108183157-G-A.
Other names: c.5938G>A, p.Gly1980Arg (NM_001351834.2); c.641-3359C>T (NM_001330368.2); c.*39-3359C>T (NM_001351110.2); short protein forms G1980R.
Identifiers: ClinVar variation 187479 (VCV000187479.15), dbSNP rs786203765, ClinGen allele CA197747.

ClinVar aggregate classification (germline): Conflicting classifications of pathogenicity. Review status: criteria provided, conflicting classifications (1 of 4 stars). 4 submissions from 4 submitters: Uncertain significance (3); Likely benign (1). Last evaluated 2025-10-17.

Conditions:
Hereditary cancer-predisposing syndrome. Also called: Hereditary Cancer Syndrome; Tumor predisposition; Neoplastic Syndromes, Hereditary; Hereditary neoplastic syndrome. Identifiers: Orphanet 140162, MedGen C0027672, MeSH D009386, MONDO:0015356.
Hereditary breast ovarian cancer syndrome. Also called: Hereditary breast and ovarian cancer syndrome; Hereditary breast and ovarian cancer syndrome (HBOC); Hereditary breast and ovarian cancer; Hereditary breast and/or ovarian cancer syndrome; BRCA1- and BRCA2-Associated Hereditary Breast and Ovarian Cancer; Breast and ovarian cancer. Identifiers: Orphanet 145, MedGen C0677776, MeSH D061325, MONDO:0003582. Disease mechanism: loss of function.
Ataxia-telangiectasia syndrome (AT). Also called: ATAXIA-TELANGIECTASIA, COMPLEMENTATION GROUP A; ATAXIA-TELANGIECTASIA, FRESNO VARIANT; Ataxia-telangiectasia; Ataxia-telangiectasia, complementation group E; Cerebello-oculocutaneous telangiectasia; Immunodeficiency with ataxia telangiectasia. Identifiers: Orphanet 100, MedGen C0004135, MONDO:0008840, OMIM 208900.

Allele frequency attached by ClinVar (database versions not stated): TOPMed below 0.00001; gnomAD exomes 0.00001.
gnomAD v4.1: 14 of 1,595,394 alleles (0.00088%); highest among the groups gnomAD compares: Non-Finnish European, 0.0012%; no homozygotes.

Submissions (4):

Ambry Genetics
Classification: Likely benign for Hereditary cancer-predisposing syndrome. Last evaluated: 2025-10-17. Review status: criteria provided, single submitter. Criteria: Ambry Variant Classification Scheme 2023. Collection method: clinical testing. Allele origin: germline.

Labcorp Genetics (formerly Invitae), Labcorp
Classification: Uncertain significance for Ataxia-telangiectasia syndrome. Last evaluated: 2024-03-09. Review status: criteria provided, single submitter. Criteria: Invitae Variant Classification Sherloc (09022015). Collection method: clinical testing. Allele origin: germline.
Comment: This sequence change replaces glycine, which is neutral and non-polar, with arginine, which is basic and polar, at codon 1980 of the ATM protein (p.Gly1980Arg). This variant is present in population databases (rs786203765, gnomAD 0.002%). This missense change has been observed in individual(s) with colon polyps and with breast cancer and/or ovarian cancer (PMID: 25938944, 29522266). ClinVar contains an entry for this variant (Variation ID: 187479). An algorithm developed to predict the effect of missense changes on protein structure and function (PolyPhen-2) suggests that this variant¬†is likely to be tolerated. In summary, the available evidence is currently insufficient to determine the role of this variant in disease. Therefore, it has been classified as a Variant of Uncertain Significance.

Color Diagnostics, LLC DBA Color Health
Classification: Uncertain significance for Hereditary cancer-predisposing syndrome. Last evaluated: 2022-06-21. Review status: criteria provided, single submitter. Criteria: ACMG Guidelines, 2015. Collection method: clinical testing. Allele origin: germline.
Comment: This missense variant replaces glycine with arginine at codon 1980 of the ATM protein. Computational prediction suggests that this variant may not impact protein structure and function (internally defined REVEL score threshold <= 0.5, PMID: 27666373). To our knowledge, functional studies have not been reported for this variant. In a large international case-control study, this variant was reported in 2/60466 breast cancer cases and absent in 53461 controls (PMID: 33471991). This variant has also been reported in an individual affected with multiple adenomatous polyps (PMID: 25938944). This variant has been identified in 2/251186 chromosomes in the general population by the Genome Aggregation Database (gnomAD). The available evidence is insufficient to determine the role of this variant in disease conclusively. Therefore, this variant is classified as a Variant of Uncertain Significance.

Pittsburgh Clinical Genomics Laboratory, University of Pittsburgh Medical Center
Classification: Uncertain significance for Hereditary Breast and Ovarian Cancer Syndrome. Last evaluated: 2018-10-02. Review status: criteria provided, single submitter. Criteria: ACMG Guidelines, 2015. Collection method: clinical testing. Allele origin: germline. Affected: yes. Observed: 1 variant allele.
Comment: This sequence variant is a single nucleotide substitution (G>A) that results in a glycine to arginine amino acid change at residue 1980 in the ATM protein. This is a rare variant, and has been observed in the gnomAD database at a frequency of 0.00001792 (2/111586 alleles). The variant has additionally been observed in a BRCA1/2-negative breast cancer case (PMID 29522266), a breast cancer case identified in the Breast Cancer Family Registry (PMID 21787400), and a case with multiple adenomatous polyps (PMID 25938944). This variant alters an amino acid residue found within the FAT (FRAP-ATM-TRRAP) domain of the ATM protein. Bioinformatic tools queried are inconsistent in their predictions of the pathogenicity of this variant, and the glycine residue at this position in the ATM protein is poorly conserved among mammalian species. There are no functional studies determining the effect of this variant on protein structure and function, to our knowledge. Though there are no published reports strongly linking this variant to disease to date, there is insufficient evidence at this time to fully assess if this variant is pathogenic or benign. Thus, it is a variant of uncertain significance.

Literature cited by the submitters: PubMed 21787400 (cited by Ambry Genetics and Pittsburgh Clinical Genomics Laboratory, University of Pittsburgh Medical Center); PubMed 40580951 (cited by Ambry Genetics); PubMed 25938944 (cited by 3 submitters); PubMed 29522266 (cited by Labcorp Genetics (formerly Invitae), Labcorp and Pittsburgh Clinical Genomics Laboratory, University of Pittsburgh Medical Center); PubMed 33471991 (cited by Color Diagnostics, LLC DBA Color Health).